The following is an entry in ClinVar:

NM_020347.4(LZTFL1):c.778G>T (p.Glu260Ter)

Gene: LZTFL1 (leucine zipper transcription factor like 1; minus strand). Cytogenetic location: 3p21.31.
Variant type: single nucleotide variant.
Coding change: c.778G>T on transcript NM_020347.4 (MANE Select); coding-DNA position 778, G replaced by T.
Protein change: p.Glu260Ter; replaces glutamic acid 260 with a stop codon.
Molecular consequence: nonsense. On other transcripts: non-coding transcript variant (1), intron variant (2).
Genome position (GRCh38, 1-based): chr3:45,827,459, C>A on the plus strand (G>T on the coding strand, the complement: LZTFL1 is on the minus strand). VCF-style: chr3-45827459-C-A. GRCh37 (hg19) VCF-style: chr3-45868951-C-A.
Other names: c.727G>T, p.Glu243Ter (NM_001276378.2, NM_001386451.1); c.765+980G>T (NM_001276379.2); c.777+980G>T (NM_001386452.1); short protein forms E243*, E260*.
Identifiers: ClinVar variation 126381 (VCV000126381.6), dbSNP rs515726136, ClinGen allele CA170607.

ClinVar aggregate classification (germline): Conflicting classifications of pathogenicity. Review status: criteria provided, conflicting classifications (1 of 4 stars). 4 submissions from 4 submitters: Likely pathogenic (1); Uncertain significance (1). 2 of the submissions do not count toward it. Last evaluated 2026-04-28.

Conditions:
LZTFL1-related disorder. Also called: LZTFL1-related condition.
Bardet-Biedl syndrome 17 (BBS17). Identifiers: Orphanet 110, MedGen C3714980, MONDO:0014445, OMIM 615994.
Bardet-Biedl syndrome 1 (BBS1). Identifiers: MedGen C2936862, MONDO:0008854, OMIM 209900. Disease mechanism: loss of function.

Allele frequency attached by ClinVar (database versions not stated): gnomAD exomes 0.00001 and below 0.00001.
gnomAD v4.1: 3 of 1,593,932 alleles (0.00019%); highest among the groups gnomAD compares: South Asian, 0.0011%; no homozygotes.

Submissions (4):

PreventionGenetics, part of Exact Sciences
Classification: Likely pathogenic for LZTFL1-related condition. Last evaluated: 2026-04-28. Review status: criteria provided, single submitter. Criteria: ACMG Guidelines, 2015. Collection method: clinical testing. Allele origin: germline.
Comment: The LZTFL1 c.778G>T variant is predicted to result in premature protein termination (p.Glu260*). This variant was reported in the compound heterozygous state in twins with Bardet-Biedl syndrome (Schaefer et al. 2014. PubMed ID: 23692385). This variant is reported in 0.0033% of alleles in individuals of South Asian descent in gnomAD. Nonsense variants in LZTFL1 are expected to be pathogenic. This variant is interpreted as likely pathogenic.

Blueprint Genetics
Classification: Uncertain significance. Last evaluated: 2019-09-27. Review status: criteria provided, single submitter. Criteria: ACMG Guidelines, 2015. Collection method: clinical testing. Allele origin: germline.

OMIM
Classification: Pathogenic for BARDET-BIEDL SYNDROME 17. Last evaluated: 2014-05-01. Review status: no assertion criteria provided. Collection method: literature only. Allele origin: germline. Not counted in ClinVar's aggregate classification.

GeneReviews
No classification provided. Condition: Bardet-Biedl syndrome 1. Review status: no classification provided. Collection method: literature only. Allele origin: germline. Affected: yes. Not counted in ClinVar's aggregate classification.

Literature cited by the submitters: PubMed 23692385 (cited by OMIM); NCBI Bookshelf NBK1363 (cited by GeneReviews).